The following is an entry in ClinVar:

NM_001384140.1(PCDH15):c.4024C>A (p.Gln1342Lys)

Gene: PCDH15 (protocadherin related 15; minus strand). Cytogenetic location: 10q21.1.
Variant type: single nucleotide variant.
Coding change: c.4024C>A on transcript NM_001384140.1 (MANE Select); coding-DNA position 4024, C replaced by A.
Protein change: p.Gln1342Lys; replaces glutamine 1342 with lysine.
Molecular consequence: missense variant.
Genome position (GRCh38, 1-based): chr10:53,831,493, G>T on the plus strand (C>A on the coding strand, the complement: PCDH15 is on the minus strand). VCF-style: chr10-53831493-G-T. GRCh37 (hg19) VCF-style: chr10-55591253-G-T.
Other names: c.4060C>A, p.Gln1354Lys (NM_001142769.4); c.4024C>A, p.Gln1342Lys (NM_001142770.3, NM_001142772.2, NM_001354420.2 and 4 more transcripts); c.4039C>A, p.Gln1347Lys (NM_001142771.2, NM_001142763.2); c.3958C>A, p.Gln1320Lys (NM_001142773.2, NM_001354404.2, NM_001142768.2); c.4045C>A, p.Gln1349Lys (NM_001354411.2); c.3811C>A, p.Gln1271Lys (NM_001142765.2); c.3913C>A, p.Gln1305Lys (NM_001142767.2); short protein forms Q1342K, Q1320K, Q1347K, Q1305K, Q1354K, Q1271K, Q1349K.
Identifiers: ClinVar variation 46477 (VCV000046477.48), dbSNP rs61731387, ClinGen allele CA138429.

ClinVar aggregate classification (germline): Benign/Likely benign. Review status: criteria provided, multiple submitters, no conflicts (2 of 4 stars). 13 submissions from 13 submitters: Benign (6); Likely benign (5). 2 of the submissions do not count toward it. Last evaluated 2026-01-31.

Conditions:
Autosomal recessive nonsyndromic hearing loss 23. Identifiers: Orphanet 90636, MedGen C1836027, MONDO:0012293, OMIM 609533.
Usher syndrome type 1D (USH1D). Also called: USHER SYNDROME, TYPE ID. Identifiers: Orphanet 231169, Orphanet 886, MedGen C1832845, MONDO:0010984, OMIM 601067.
Usher syndrome type 1F (USH1F). Also called: USHER SYNDROME, TYPE IF. Identifiers: Orphanet 231169, Orphanet 886, MedGen C1865885, MONDO:0011186, OMIM 602083.
Usher syndrome type 1 (USH1). Also called: RETINITIS PIGMENTOSA AND CONGENITAL DEAFNESS. Identifiers: Orphanet 231169, Orphanet 886, MedGen C1568247, MONDO:0010168, OMIM 276900.

Allele frequency attached by ClinVar (database versions not stated): gnomAD exomes 0.00077 and 0.00180; ExAC 0.00227; gnomAD 0.00659 and 0.00699; TOPMed 0.00783; ESP Exome Variant Server 0.00800; 1000 Genomes Project 0.00819; 1000 Genomes Project 30x 0.00828.
gnomAD v4.1: 2,202 of 1,614,074 alleles (0.14%); highest among the groups gnomAD compares: African/African-American, 2.3%; 27 homozygotes.

Submissions (13):

Labcorp Genetics (formerly Invitae), Labcorp
Classification: Benign. Last evaluated: 2026-01-31. Review status: criteria provided, single submitter. Criteria: Invitae Variant Classification Sherloc (09022015). Collection method: clinical testing. Allele origin: germline.

Blueprint Genetics
Classification: Likely benign. Last evaluated: 2024-11-14. Review status: criteria provided, single submitter. Criteria: ACMG Guidelines, 2015. Collection method: clinical testing. Allele origin: germline.

CeGaT Center for Human Genetics Tuebingen
Classification: Benign. Last evaluated: 2024-07-01. Review status: criteria provided, single submitter. Criteria: CeGaT Center For Human Genetics Tuebingen Variant Classification Criteria Version 2. Collection method: clinical testing. Allele origin: germline. Affected: yes. Observed: 1 variant allele.
Comment: PCDH15: BS1, BS2

Fulgent Genetics
Classification: Likely benign for Usher syndrome type 1D; Usher syndrome type 1F; Autosomal recessive nonsyndromic hearing loss 23. Last evaluated: 2022-04-18. Review status: criteria provided, single submitter. Criteria: ACMG Guidelines, 2015. Collection method: clinical testing. Allele origin: unknown.

Women's Health and Genetics/Laboratory Corporation of America, LabCorp
Classification: Benign. Last evaluated: 2022-03-11. Review status: criteria provided, single submitter. Criteria: LabCorp Variant Classification Summary - May 2015. Collection method: clinical testing. Allele origin: germline.
Comment: Variant summary: PCDH15 c.4024C>A (p.Gln1342Lys) results in a conservative amino acid change in the encoded protein sequence. Three of five in-silico tools predict a damaging effect of the variant on protein function. The variant allele was found at a frequency of 0.0018 in 251420 control chromosomes (gnomAD), predominantly at a frequency of 0.023 within the African or African-American subpopulation in the gnomAD database, including 7 homozygotes. The observed variant frequency within African or African-American control individuals in the gnomAD database is approximately 7 fold of the estimated maximal expected allele frequency for a pathogenic variant in PCDH15 causing Usher Syndrome Type 1F phenotype (0.0032), strongly suggesting that the variant is a benign polymorphism found primarily in populations of African or African-American origin. Five ClinVar submitters have assessed this variant since 2014: three have classified the variant as likely benign and two as benign. Based on the evidence outlined above, the variant was classified as benign.

GeneDx
Classification: Benign. Last evaluated: 2018-09-07. Review status: criteria provided, single submitter. Criteria: GeneDx Variant Classification Process June 2021. Collection method: clinical testing. Allele origin: germline. Affected: yes.
Comment: This variant is associated with the following publications: (PMID: 15660226, 20981092, 25262649, 22995991, 30245029)

Illumina Laboratory Services, Illumina
Classification: Likely benign for Usher syndrome type 1. Last evaluated: 2017-04-27. Review status: criteria provided, single submitter. Criteria: ICSL Variant Classification Criteria 13 December 2019. Collection method: clinical testing. Allele origin: germline.
Comment: This variant was observed as part of a predisposition screen in an ostensibly healthy population. A literature search was performed for the gene, cDNA change, and amino acid change (where applicable). No publications were found based on this search. Allele frequency data from public databases allowed determination this variant is unlikely to cause disease. Therefore, this variant is classified as likely benign.

Center for Pediatric Genomic Medicine, Children's Mercy Hospital and Clinics
Classification: Likely benign. Last evaluated: 2017-02-24. Review status: criteria provided, single submitter. Criteria: ACMG Guidelines, 2015. Collection method: clinical testing. Allele origin: germline.

Eurofins Ntd Llc (ga)
Classification: Benign. Last evaluated: 2014-05-15. Review status: criteria provided, single submitter. Criteria: EGL Classification Definitions 2015. Collection method: clinical testing. Allele origin: germline. Observed: 1 variant allele, 1 heterozygote.

Laboratory for Molecular Medicine, Mass General Brigham Personalized Medicine
Classification: Benign. Last evaluated: 2012-03-22. Review status: criteria provided, single submitter. Criteria: LMM Criteria. Collection method: clinical testing. Allele origin: germline. Observed: 7 variant alleles.
Comment: Gln1342Lys in exon 32 of PCDH15: This variant has been reported in the literatur e in an individual with Usher Type 1 and was not identified in 100 unaffected co ntrols (Ouyang 2005). However, this individual did not have a second pathogenic variant identified on the other allele. In addition, this variant is not expected to have clinica l significance because it has been identified in 2.3% (87/3738) of African Ameri can chromosomes in a broad population by the NHLBI Exome sequencing project (rs61731387)

Breakthrough Genomics
Classification: Likely benign. Review status: criteria provided, single submitter. Criteria: ACMG Guidelines, 2015. Collection method: not provided. Allele origin: germline. Inheritance: Autosomal recessive inheritance. Affected: yes.

Natera, Inc.
Classification: Benign for Usher syndrome type 1F. Last evaluated: 2020-01-13. Review status: no assertion criteria provided. Collection method: clinical testing. Allele origin: germline. Not counted in ClinVar's aggregate classification.

Counsyl
Classification: Likely benign for Usher syndrome type 1F. Last evaluated: 2017-12-28. Review status: no assertion criteria provided. Collection method: clinical testing. Allele origin: unknown. Not counted in ClinVar's aggregate classification.

Literature cited by the submitters: PubMed 15660226 (cited by Laboratory for Molecular Medicine, Mass General Brigham Personalized Medicine and Counsyl); PubMed 25262649 (cited by Counsyl).